The following is an entry in ClinVar:

ClinVar aggregate classification (germline): Uncertain significance (1 of 4 stars; one submission).

Conditions:
Ornithine carbamoyltransferase deficiency (OTCD). Also called: ORNITHINE TRANSCARBAMYLASE DEFICIENCY; ORNITHINE TRANSCARBAMYLASE DEFICIENCY, HYPERAMMONEMIA DUE TO; OTC DEFICIENCY; Ornithine Carbamoyltransferase Deficiency Disease. Identifiers: Orphanet 664, MedGen C0268542, MONDO:0010703, OMIM 311250.

gnomAD v4.1: 2 of 1,211,275 alleles (0.00017%); highest among the groups gnomAD compares: South Asian, 0.0018%; no homozygotes.

Submission:

Color Diagnostics, LLC DBA Color Health
Classification: Uncertain significance for Ornithine carbamoyltransferase deficiency. Last evaluated: 2023-06-20. Review status: criteria provided, single submitter. Criteria: ACMG Guidelines, 2015. Collection method: clinical testing. Allele origin: germline.
Comment: This missense variant replaces aspartic acid with glycine at codon 297 of the OTC protein. Computational prediction suggests that this variant may have deleterious impact on protein structure and function. To our knowledge, functional studies have not been reported for this variant. This variant has not been reported in individuals affected with OTC-related disorders in the literature. This variant has not been identified in the general population by the Genome Aggregation Database (gnomAD). The available evidence is insufficient to determine the role of this variant in disease conclusively. Therefore, this variant is classified as a Variant of Uncertain Significance.

NM_000531.6(OTC):c.890A>G (p.Asp297Gly)

Gene: OTC (ornithine transcarbamylase; plus strand). Cytogenetic location: Xp11.4.
Variant type: single nucleotide variant.
Coding change: c.890A>G on transcript NM_000531.6 (MANE Select); coding-DNA position 890, A replaced by G.
Protein change: p.Asp297Gly; replaces aspartic acid 297 with glycine.
Molecular consequence: missense variant.
Genome position (GRCh38, 1-based): chrX:38,411,884, A>G. VCF-style: chrX-38411884-A-G. GRCh37 (hg19) VCF-style: chrX-38271137-A-G.
Other names: c.890A>G, p.Asp297Gly (NM_001407092.1); short protein forms D297G.
Identifiers: ClinVar variation 4758831 (VCV004758831.1).